The following is an entry in ClinVar:

ClinVar aggregate classification (germline): Uncertain significance (1 of 4 stars; one submission).

gnomAD v4.1: 13 of 1,600,858 alleles (0.00081%); highest among the groups gnomAD compares: Non-Finnish European, 0.00094%; no homozygotes.

Submission:

GeneDx
Classification: Uncertain significance. Last evaluated: 2024-04-10. Review status: criteria provided, single submitter. Criteria: GeneDx Variant Classification Process June 2021. Collection method: clinical testing. Allele origin: germline. Affected: yes.
Comment: In silico analysis supports that this missense variant has a deleterious effect on protein structure/function; Has not been previously published as pathogenic or benign to our knowledge

NM_006494.4(ERF):c.1459C>T (p.Arg487Cys)

Gene: ERF (ETS2 repressor factor; minus strand). Cytogenetic location: 19q13.2.
Variant type: single nucleotide variant.
Coding change: c.1459C>T on transcript NM_006494.4 (MANE Select); coding-DNA position 1459, C replaced by T.
Protein change: p.Arg487Cys; replaces arginine 487 with cysteine.
Molecular consequence: missense variant.
Genome position (GRCh38, 1-based): chr19:42,248,653, G>A on the plus strand (C>T on the coding strand, the complement: ERF is on the minus strand). VCF-style: chr19-42248653-G-A. GRCh37 (hg19) VCF-style: chr19-42752805-G-A.
Other names: c.1234C>T, p.Arg412Cys (NM_001301035.2, NM_001308402.2, NM_001312656.2); short protein forms R412C, R487C.
Identifiers: ClinVar variation 3372399 (VCV003372399.1).